The following continues an entry in ClinVar:

NM_206933.4(USH2A):c.2802T>G (p.Cys934Trp)

ClinVar aggregate classification (germline): Pathogenic/Likely pathogenic. Pathogenic (19); Likely pathogenic (5).

Literature cited by the submitters, continued: PubMed 25356976 (cited by Labcorp Genetics (formerly Invitae), Labcorp and Institute of Human Genetics, Univ. Regensburg, Univ. Regensburg); PubMed 27160483 (cited by Labcorp Genetics (formerly Invitae), Labcorp and 3billion); PubMed 29625443 (cited by Labcorp Genetics (formerly Invitae), Labcorp and Institute of Human Genetics, Univ. Regensburg, Univ. Regensburg); PubMed 29899460 (cited by Labcorp Genetics (formerly Invitae), Labcorp and Institute of Human Genetics, Univ. Regensburg, Univ. Regensburg); PubMed 30948794 (cited by 3 submitters); PubMed 24938718 (cited by 3 submitters); PubMed 21686329 (cited by 3 submitters); PubMed 25324289 (cited by 3 submitters); PubMed 31213501 (cited by Women's Health and Genetics/Laboratory Corporation of America, LabCorp and Institute of Human Genetics, Univ. Regensburg, Univ. Regensburg); PubMed 32893482 (cited by Victorian Clinical Genetics Services, Murdoch Childrens Research Institute and Institute of Human Genetics, Univ. Regensburg, Univ. Regensburg); PubMed 25262649 (cited by Institute of Human Genetics, Univ. Regensburg, Univ. Regensburg); PubMed 25474345 (cited by Institute of Human Genetics, Univ. Regensburg, Univ. Regensburg); PubMed 26992781 (cited by Institute of Human Genetics, Univ. Regensburg, Univ. Regensburg); PubMed 29074561 (cited by Institute of Human Genetics, Univ. Regensburg, Univ. Regensburg); PubMed 30487145 (cited by Institute of Human Genetics, Univ. Regensburg, Univ. Regensburg); PubMed 31872526 (cited by Institute of Human Genetics, Univ. Regensburg, Univ. Regensburg); PubMed 31054281 (cited by Institute of Human Genetics, Univ. Regensburg, Univ. Regensburg); PubMed 30896630 (cited by Institute of Human Genetics, Univ. Regensburg, Univ. Regensburg); PubMed 31960602 (cited by Institute of Human Genetics, Univ. Regensburg, Univ. Regensburg); PubMed 31964843 (cited by Institute of Human Genetics, Univ. Regensburg, Univ. Regensburg); PubMed 33105608 (cited by Institute of Human Genetics, Univ. Regensburg, Univ. Regensburg); PubMed 32203226 (cited by Institute of Human Genetics, Univ. Regensburg, Univ. Regensburg); PubMed 33090715 (cited by Institute of Human Genetics, Univ. Regensburg, Univ. Regensburg); PubMed 31904091 (cited by Institute of Human Genetics, Univ. Regensburg, Univ. Regensburg); PubMed 31456290 (cited by Institute of Human Genetics, Univ. Regensburg, Univ. Regensburg); PubMed 31045651 (cited by Institute of Human Genetics, Univ. Regensburg, Univ. Regensburg); PubMed 32100970 (cited by Institute of Human Genetics, Univ. Regensburg, Univ. Regensburg); PubMed 32581362 (cited by Institute of Human Genetics, Univ. Regensburg, Univ. Regensburg); PubMed 32531858 (cited by Institute of Human Genetics, Univ. Regensburg, Univ. Regensburg); PubMed 32037395 (cited by Institute of Human Genetics, Univ. Regensburg, Univ. Regensburg); PubMed 33781268 (cited by Institute of Human Genetics, Univ. Regensburg, Univ. Regensburg); PubMed 32188678 (cited by Institute of Human Genetics, Univ. Regensburg, Univ. Regensburg); PubMed 34416374 (cited by Institute of Human Genetics, Univ. Regensburg, Univ. Regensburg); PubMed 34426522 (cited by Institute of Human Genetics, Univ. Regensburg, Univ. Regensburg); PubMed 34721897 (cited by Institute of Human Genetics, Univ. Regensburg, Univ. Regensburg); PubMed 33946315 (cited by Institute of Human Genetics, Univ. Regensburg, Univ. Regensburg); PubMed 33629268 (cited by Institute of Human Genetics, Univ. Regensburg, Univ. Regensburg); PubMed 33691693 (cited by Institute of Human Genetics, Univ. Regensburg, Univ. Regensburg); PubMed 33124170 (cited by Institute of Human Genetics, Univ. Regensburg, Univ. Regensburg); PubMed 33749171 (cited by Institute of Human Genetics, Univ. Regensburg, Univ. Regensburg); PubMed 32675063 (cited by Institute of Human Genetics, Univ. Regensburg, Univ. Regensburg); PubMed 35314707 (cited by Institute of Human Genetics, Univ. Regensburg, Univ. Regensburg); PubMed 35266249 (cited by Institute of Human Genetics, Univ. Regensburg, Univ. Regensburg); PubMed 36464167 (cited by Institute of Human Genetics, Univ. Regensburg, Univ. Regensburg); PubMed 35052368 (cited by Institute of Human Genetics, Univ. Regensburg, Univ. Regensburg); PubMed 36819107 (cited by Institute of Human Genetics, Univ. Regensburg, Univ. Regensburg); PubMed 36314366 (cited by OMIM); PubMed 28041643 (cited by NIHR Bioresource Rare Diseases, University of Cambridge).